The following is an entry in ClinVar:

NM_004284.6(CHD1L):c.469T>C (p.Leu157=)

Gene: CHD1L (chromodomain helicase DNA binding protein 1 like; plus strand). Cytogenetic location: 1q21.1.
Variant type: single nucleotide variant.
Coding change: c.469T>C on transcript NM_004284.6 (MANE Select); coding-DNA position 469, T replaced by C.
Protein change: p.Leu157=; no amino-acid change (leucine 157 retained).
Molecular consequence: synonymous variant. On other transcripts: 5 prime UTR variant (8), non-coding transcript variant (12), intron variant (7).
Genome position (GRCh38, 1-based): chr1:147,256,537, T>C. VCF-style: chr1-147256537-T-C. GRCh37 (hg19) VCF-style: chr1-146728191-T-C.
Other names: c.169T>C, p.Leu57= (NM_001256336.3); c.253T>C, p.Leu85= (NM_001348451.2, NM_001348452.2); c.130T>C, p.Leu44= (NM_001348453.2, NM_024568.4); c.-368T>C (NM_001348457.2, NM_001348459.2, NM_001348462.2); c.-286T>C (NM_001348458.2); c.-212T>C (NM_001348460.2, NM_001348461.2); c.-293T>C (NM_001348464.2, NM_001348465.2); c.5+610T>C (NM_001348455.2); and 6 more.
Identifiers: ClinVar variation 4979520 (VCV004979520.1).

ClinVar aggregate classification (germline): Likely benign (1 of 4 stars; one submission).

Conditions:
CHD1L-related disorder. Also called: CHD1L-related condition.

gnomAD v4.1: 2 of 1,613,540 alleles (0.00012%); highest among the groups gnomAD compares: Non-Finnish European, 0.00017%; no homozygotes.

Submission:

PreventionGenetics, part of Exact Sciences
Classification: Likely benign for CHD1L-related condition. Last evaluated: 2025-12-01. Review status: criteria provided, single submitter. Criteria: ACMG Guidelines, 2015. Collection method: clinical testing. Allele origin: germline.
Comment: This variant is classified as likely benign based on ACMG/AMP sequence variant interpretation guidelines (Richards et al. 2015 PMID: 25741868, with internal and published modifications).